The following is an entry in ClinVar:

ClinVar aggregate classification (germline): Conflicting classifications of pathogenicity. Review status: criteria provided, conflicting classifications (1 of 4 stars). 4 submissions from 3 submitters: Uncertain significance (1); Benign (1); Likely benign (2). Last evaluated 2026-01-04.

Conditions:
Hawkinsinuria. Identifiers: Orphanet 2118, MedGen C2931042, MONDO:0007700, OMIM 140350, HP:0034457.
Tyrosinemia type III. Also called: Tyrosinemia type 3; 4-alpha hydroxyphenylpyruvic acid oxidase deficiency; 4-alpha hydroxyphenylpyruvate dioxygenase deficiency; 4-Hydroxyphenylpyruvate dioxygenase deficiency; 4-HYDROXYPHENYLPYRUVIC ACID OXIDASE DEFICIENCY. Identifiers: Orphanet 69723, MedGen C0268623, MONDO:0010162, OMIM 276710.

Allele frequency attached by ClinVar (database versions not stated): 1000 Genomes Project 0.00020; 1000 Genomes Project 30x 0.00031; ExAC 0.00036; gnomAD 0.00038 and 0.00039; TOPMed 0.00038; ESP Exome Variant Server 0.00054.
gnomAD v4.1: 934 of 1,613,982 alleles (0.058%); highest among the groups gnomAD compares: Non-Finnish European, 0.075%; no homozygotes.

Submissions (4):

Labcorp Genetics (formerly Invitae), Labcorp
Classification: Likely benign for Tyrosinemia type III; Hawkinsinuria. Last evaluated: 2026-01-04. Review status: criteria provided, single submitter. Criteria: Invitae Variant Classification Sherloc (09022015). Collection method: clinical testing. Allele origin: germline.

Blueprint Genetics
Classification: Likely benign. Last evaluated: 2024-11-25. Review status: criteria provided, single submitter. Criteria: ACMG Guidelines, 2015. Collection method: clinical testing. Allele origin: germline.

Illumina Laboratory Services, Illumina
Classification: Benign for Hawkinsinuria. Last evaluated: 2018-01-13. Review status: criteria provided, single submitter. Criteria: ICSL Variant Classification Criteria 13 December 2019. Collection method: clinical testing. Allele origin: germline.
Comment: This variant was observed in the ICSL laboratory as part of a predisposition screen in an ostensibly healthy population. It had not been previously curated by ICSL or reported in the Human Gene Mutation Database (HGMD: prior to June 1st, 2018), and was therefore a candidate for classification through an automated scoring system. Utilizing variant allele frequency, disease prevalence and penetrance estimates, and inheritance mode, an automated score was calculated to assess if this variant is too frequent to cause the disease. Based on the score and internal cut-off values, a variant classified as benign is not then subjected to further curation. The score for this variant resulted in a classification of benign for this disease.

Illumina Laboratory Services, Illumina
Classification: Uncertain significance for Tyrosinemia type III. Last evaluated: 2018-01-13. Review status: criteria provided, single submitter. Criteria: ICSL Variant Classification Criteria 13 December 2019. Collection method: clinical testing. Allele origin: germline.

NM_002150.3(HPD):c.954+14A>C

Genes: HPD (4-hydroxyphenylpyruvate dioxygenase; minus strand), TIALD (transcript inducer of AURKA lysosomal degradation; plus strand). Cytogenetic location: 12q24.31.
Variant type: single nucleotide variant.
Coding change: c.954+14A>C on transcript NM_002150.3 (MANE Select); 14 bases into the intron after coding-DNA position 954, A replaced by C.
Molecular consequence: intron variant.
Genome position (GRCh38, 1-based): chr12:121,843,696, T>G on the plus strand (A>C on the coding strand, the complement: HPD is on the minus strand). VCF-style: chr12-121843696-T-G. GRCh37 (hg19) VCF-style: chr12-122281602-T-G.
Other names: c.837+14A>C (NM_001171993.2).
Identifiers: ClinVar variation 307479 (VCV000307479.13), dbSNP rs200866898, ClinGen allele CA6839477.